The following is an entry in ClinVar:

ClinVar aggregate classification (germline): Pathogenic/Likely pathogenic. Review status: criteria provided, multiple submitters, no conflicts (2 of 4 stars). 4 submissions from 3 submitters: Pathogenic (1); Likely pathogenic (1). 2 of the submissions do not count toward it. Last evaluated 2026-08-06.

Conditions:
Paediatric disorders.
Polydactyly of a triphalangeal thumb. Also called: TRIPHALANGEAL THUMB-POLYDACTYLY SYNDROME; Polydactyly, preaxial type II; POLYDACTYLY OF TRIPHALANGEAL THUMB. Identifiers: Orphanet 2439, Orphanet 2950, Orphanet 93336, MedGen C1868114, MONDO:0008270, OMIM 174500.
Triphalangeal thumb (TPT). Identifiers: MedGen C0241397, HP:0001199.

Submissions (4):

NHS Central & South Genomic Laboratory Hub
Classification: Likely pathogenic for Paediatric disorders. Last evaluated: 2026-08-06. Review status: criteria provided, single submitter. Criteria: ACMG Guidelines, 2015. Collection method: clinical testing. Allele origin: germline. Affected: yes.

Labcorp Genetics (formerly Invitae), Labcorp
Classification: Pathogenic. Last evaluated: 2024-02-02. Review status: criteria provided, single submitter. Criteria: Invitae Variant Classification Sherloc (09022015). Collection method: clinical testing. Allele origin: germline.
Comment: This sequence change falls in intron 5 of the LMBR1 gene. It does not directly change the encoded amino acid sequence of the LMBR1 protein. This variant is not present in population databases (gnomAD no frequency). This variant has been observed in individuals with autosomal dominant triphalangeal thumb (PMID: 18463159; Invitae). It has also been observed to segregate with disease in related individuals. This variant is also known as 295T>C. ClinVar contains an entry for this variant (Variation ID: 4906). Studies have shown that this variant affects the ZPA regulatory sequence (ZRS) within intron 5 of the LMBR1 gene, which regulates the expression of certain genes that are important for limb development (PMID: 29651423). Algorithms developed to predict the effect of sequence changes on RNA splicing suggest that this variant is not likely to affect RNA splicing. For these reasons, this variant has been classified as Pathogenic.

OMIM
Classification: Pathogenic for TRIPHALANGEAL THUMB. Last evaluated: 2008-08-15. Review status: no assertion criteria provided. Collection method: literature only. Allele origin: germline. Not counted in ClinVar's aggregate classification.

OMIM
Classification: Pathogenic for POLYDACTYLY, PREAXIAL II. Last evaluated: 2008-08-15. Review status: no assertion criteria provided. Collection method: literature only. Allele origin: germline. Not counted in ClinVar's aggregate classification.

Literature cited by the submitters: PubMed 18463159 (cited by Labcorp Genetics (formerly Invitae), Labcorp and OMIM); PubMed 29651423 (cited by Labcorp Genetics (formerly Invitae), Labcorp); PubMed 32169219 (cited by OMIM).

NM_022458.4(LMBR1):c.423+4808T>C

Genes: LMBR1 (limb development membrane protein 1; minus strand), ZRS (ZPA regulatory sequence; plus strand). Cytogenetic location: 7q36.3.
Variant type: single nucleotide variant.
Coding change: c.423+4808T>C on transcript NM_022458.4 (MANE Select); 4808 bases into the intron after coding-DNA position 423, T replaced by C.
Molecular consequence: intron variant.
Genome position (GRCh38, 1-based): chr7:156,791,581, A>G on the plus strand (T>C on the coding strand, the complement: LMBR1 is on the minus strand). VCF-style: chr7-156791581-A-G. GRCh37 (hg19) VCF-style: chr7-156584275-A-G.
Other names: 295T-C; c.423+4808T>C (NM_001350953.2, NM_001363410.2, NM_001363409.2); c.-112+4808T>C (NM_001350958.2, NM_001350956.2, NM_001350955.2 and 1 more transcripts); c.54+4808T>C (NM_001350957.2, NM_001363411.2); c.360+4808T>C (NM_001363412.2); c.144+4808T>C (NM_001350954.2).
Identifiers: ClinVar variation 4906 (VCV000004906.10), dbSNP rs606231152, ClinGen allele CA117137.